The following is an entry in ClinVar:

ClinVar aggregate classification (germline): Uncertain significance (1 of 4 stars; one submission).

gnomAD v4.1: 4 of 1,530,576 alleles (0.00026%); highest among the groups gnomAD compares: East Asian, 0.0025%; no homozygotes.

Submission:

Women's Health and Genetics/Laboratory Corporation of America, LabCorp
Classification: Uncertain significance. Last evaluated: 2024-02-08. Review status: criteria provided, single submitter. Criteria: LabCorp Variant Classification Summary - May 2015. Collection method: clinical testing. Allele origin: germline.
Comment: Variant summary: CUL7 c.-157C>T is located in the untranslated mRNA region upstream of the initiation codon. The variant was absent in 126836 control chromosomes. The available data on variant occurrences in the general population are insufficient to allow any conclusion about variant significance. To our knowledge, no occurrence of c.-157C>T in individuals affected with Three M Syndrome 1 and no experimental evidence demonstrating its impact on protein function have been reported. No submitters have cited clinical-significance assessments for this variant to ClinVar. Based on the evidence outlined above, the variant was classified as uncertain significance.

NM_014780.5(CUL7):c.-157C>T

Genes: CUL7 (cullin 7; minus strand), LOC129996487 (ATAC-STARR-seq lymphoblastoid silent region 17217; plus strand). Cytogenetic location: 6p21.1.
Variant type: single nucleotide variant.
Coding change: c.-157C>T on transcript NM_014780.5 (MANE Select); 157 bases upstream of the start codon, C replaced by T.
Molecular consequence: 5 prime UTR variant.
Genome position (GRCh38, 1-based): chr6:43,053,770, G>A on the plus strand (C>T on the coding strand, the complement: CUL7 is on the minus strand). VCF-style: chr6-43053770-G-A. GRCh37 (hg19) VCF-style: chr6-43021508-G-A.
Other names: c.-68C>T (NM_001168370.2); c.-157C>T (NM_001374872.1, NM_001374873.1, NM_001374874.1).
Identifiers: ClinVar variation 3069087 (VCV003069087.2), dbSNP rs866758527, ClinGen allele CA364231442.
Genomic context (GRCh38, chr6:43,053,770, plus strand): 5'-CCTGGGCCCCGCGAGGGGGTCGAGACGGAGAGACGGGAGGGGGCGTGCCTCCGCGGAACA[G>A]AGCTGCACCCGCGTGAGTCGGCAGCCACTGGGGCAGGGTGGGGCCCGGTCCCTGCCAGCG-3'